The following is an entry in ClinVar:

ClinVar aggregate classification (germline): Uncertain significance (1 of 4 stars; one submission).

gnomAD v4.1: 2 of 1,209,588 alleles (0.00017%); highest among the groups gnomAD compares: East Asian, 0.003%; no homozygotes.

Submission:

GeneDx
Classification: Uncertain significance. Last evaluated: 2019-08-14. Review status: criteria provided, single submitter. Criteria: GeneDx Variant Classification Process June 2021. Collection method: clinical testing. Allele origin: germline. Affected: yes.
Comment: Not observed in large population cohorts (Lek et al., 2016); In silico analysis, which includes protein predictors and evolutionary conservation, supports that this variant does not alter protein structure/function; Has not been previously published as pathogenic or benign to our knowledge

NM_001291415.2(KDM6A):c.3865A>G (p.Ile1289Val)

Gene: KDM6A (lysine demethylase 6A; plus strand). Cytogenetic location: Xp11.3.
Variant type: single nucleotide variant.
Coding change: c.3865A>G on transcript NM_001291415.2 (MANE Select); coding-DNA position 3865, A replaced by G.
Protein change: p.Ile1289Val; replaces isoleucine 1289 with valine.
Molecular consequence: missense variant. On other transcripts: non-coding transcript variant (1).
Genome position (GRCh38, 1-based): chrX:45,089,903, A>G. VCF-style: chrX-45089903-A-G. GRCh37 (hg19) VCF-style: chrX-44949148-A-G.
Other names: c.3730A>G, p.Ile1244Val (NM_001291416.2); c.3574A>G, p.Ile1192Val (NM_001291417.2); c.3472A>G, p.Ile1158Val (NM_001291418.2); c.2821A>G, p.Ile941Val (NM_001291421.2); c.3709A>G, p.Ile1237Val (NM_021140.4); short protein forms I1158V, I1192V, I1237V, I1244V, I1289V, I941V.
Identifiers: ClinVar variation 1307500 (VCV001307500.2), dbSNP rs2148195622, ClinGen allele CA412807586.